The following is an entry in ClinVar:

ClinVar aggregate classification (germline): Uncertain significance. Review status: criteria provided, multiple submitters, no conflicts (2 of 4 stars). 2 submissions from 2 submitters: Uncertain significance (2). Last evaluated 2024-10-29.

Conditions:
Hypertrophic cardiomyopathy 26. Also called: Cardiomyopathy, familial hypertrophic, 26. Identifiers: Orphanet 75249, MedGen C4310749, MONDO:0014883, OMIM 617047.
Myofibrillar myopathy 5. Also called: Filaminopathy (type); FILAMINOPATHY, AUTOSOMAL DOMINANT. Identifiers: Orphanet 171445, MedGen C1836050, MONDO:0012289, OMIM 609524.
Distal myopathy with posterior leg and anterior hand involvement. Also called: WILLIAMS DISTAL MYOPATHY. Identifiers: Orphanet 63273, MedGen C3279722, MONDO:0013550, OMIM 614065.

Submissions (2):

Labcorp Genetics (formerly Invitae), Labcorp
Classification: Uncertain significance for Distal myopathy with posterior leg and anterior hand involvement; Myofibrillar myopathy 5; Hypertrophic cardiomyopathy 26. Last evaluated: 2024-10-29. Review status: criteria provided, single submitter. Criteria: Invitae Variant Classification Sherloc (09022015). Collection method: clinical testing. Allele origin: germline.
Comment: This sequence change replaces proline, which is neutral and non-polar, with arginine, which is basic and polar, at codon 2568 of the FLNC protein (p.Pro2568Arg). This variant is not present in population databases (gnomAD no frequency). This variant has not been reported in the literature in individuals affected with FLNC-related conditions. Invitae Evidence Modeling of protein sequence and biophysical properties (such as structural, functional, and spatial information, amino acid conservation, physicochemical variation, residue mobility, and thermodynamic stability) indicates that this missense variant is not expected to disrupt FLNC protein function with a negative predictive value of 95%. In summary, the available evidence is currently insufficient to determine the role of this variant in disease. Therefore, it has been classified as a Variant of Uncertain Significance.

Blueprint Genetics
Classification: Uncertain significance. Last evaluated: 2022-06-27. Review status: criteria provided, single submitter. Criteria: ACMG Guidelines, 2015. Collection method: clinical testing. Allele origin: germline.

NM_001458.5(FLNC):c.7703C>G (p.Pro2568Arg)

Genes: FLNC (filamin C; plus strand), FLNC-AS1 (FLNC antisense RNA 1; minus strand). Cytogenetic location: 7q32.1.
Variant type: single nucleotide variant.
Coding change: c.7703C>G on transcript NM_001458.5 (MANE Select); coding-DNA position 7703, C replaced by G.
Protein change: p.Pro2568Arg; replaces proline 2568 with arginine.
Molecular consequence: missense variant.
Genome position (GRCh38, 1-based): chr7:128,857,259, C>G. VCF-style: chr7-128857259-C-G. GRCh37 (hg19) VCF-style: chr7-128497313-C-G.
Other names: c.7604C>G, p.Pro2535Arg (NM_001127487.2); short protein forms P2535R, P2568R.
Identifiers: ClinVar variation 3758023 (VCV003758023.3).